The following is an entry in ClinVar:

ClinVar aggregate classification (germline): Uncertain significance (1 of 4 stars; one submission).

Conditions:
Severe combined immunodeficiency due to DNA-PKcs deficiency. Also called: IMMUNODEFICIENCY 26 WITH NEUROLOGIC ABNORMALITIES; Immunodeficiency 26 with or without neurologic abnormalities. Identifiers: Orphanet 317425, MedGen C4014833, MONDO:0014423, OMIM 615966.

Submission:

Labcorp Genetics (formerly Invitae), Labcorp
Classification: Uncertain significance for Severe combined immunodeficiency due to DNA-PKcs deficiency. Last evaluated: 2019-07-16. Review status: criteria provided, single submitter. Criteria: Invitae Variant Classification Sherloc (09022015). Collection method: clinical testing. Allele origin: germline.
Comment: In summary, the available evidence is currently insufficient to determine the role of this variant in disease. Therefore, it has been classified as a Variant of Uncertain Significance. Algorithms developed to predict the effect of missense changes on protein structure and function output the following: SIFT: "Tolerated"; PolyPhen-2: "Benign"; Align-GVGD: "Class C0". The histidine amino acid residue is found in multiple mammalian species, suggesting that this missense change does not adversely affect protein function. These predictions have not been confirmed by published functional studies and their clinical significance is uncertain. This variant has not been reported in the literature in individuals with PRKDC-related conditions. This variant is not present in population databases (ExAC no frequency). This sequence change replaces tyrosine with histidine at codon 3315 of the PRKDC protein (p.Tyr3315His). The tyrosine residue is highly conserved and there is a moderate physicochemical difference between tyrosine and histidine.

NM_006904.7(PRKDC):c.9943T>C (p.Tyr3315His)

Gene: PRKDC (protein kinase, DNA-activated, catalytic subunit; minus strand). Cytogenetic location: 8q11.21.
Variant type: single nucleotide variant.
Coding change: c.9943T>C on transcript NM_006904.7 (MANE Select); coding-DNA position 9943, T replaced by C.
Protein change: p.Tyr3315His; replaces tyrosine 3315 with histidine.
Molecular consequence: missense variant.
Genome position (GRCh38, 1-based): chr8:47,800,966, A>G on the plus strand (T>C on the coding strand, the complement: PRKDC is on the minus strand). VCF-style: chr8-47800966-A-G. GRCh37 (hg19) VCF-style: chr8-48713527-A-G.
Other names: c.9943T>C, p.Tyr3315His (NM_001081640.2); short protein forms Y3315H.
Identifiers: ClinVar variation 958462 (VCV000958462.5), dbSNP rs2087094692, ClinGen allele CA371135926.